The following is an entry in ClinVar:

NM_001080467.3(MYO5B):c.2684G>A (p.Arg895Gln)

Gene: MYO5B (myosin VB; minus strand). Cytogenetic location: 18q21.1.
Variant type: single nucleotide variant.
Coding change: c.2684G>A on transcript NM_001080467.3 (MANE Select); coding-DNA position 2684, G replaced by A.
Protein change: p.Arg895Gln; replaces arginine 895 with glutamine.
Molecular consequence: missense variant.
Genome position (GRCh38, 1-based): chr18:49,902,721, C>T on the plus strand (G>A on the coding strand, the complement: MYO5B is on the minus strand). VCF-style: chr18-49902721-C-T. GRCh37 (hg19) VCF-style: chr18-47429091-C-T.
Other names: c.2684G>A (NM_001080467.2); short protein forms R895Q.
Identifiers: ClinVar variation 2186237 (VCV002186237.3), dbSNP rs201920924, ClinGen allele CA299980118.

ClinVar aggregate classification (germline): Uncertain significance. Review status: criteria provided, multiple submitters, no conflicts (2 of 4 stars). 2 submissions from 2 submitters: Uncertain significance (2). Last evaluated 2024-07-27.

Conditions:
Inborn genetic diseases. Identifiers: MedGen C0950123, MeSH D030342.

Allele frequency attached by ClinVar (database versions not stated): gnomAD 0.00001; gnomAD exomes 0.00001; TOPMed 0.00001.
gnomAD v4.1: 17 of 1,610,810 alleles (0.0011%); highest among the groups gnomAD compares: South Asian, 0.0044%; no homozygotes.

Submissions (2):

Ambry Genetics
Classification: Uncertain significance for Inborn genetic diseases. Last evaluated: 2024-07-27. Review status: criteria provided, single submitter. Criteria: Ambry Variant Classification Scheme 2023. Collection method: clinical testing. Allele origin: germline.

Labcorp Genetics (formerly Invitae), Labcorp
Classification: Uncertain significance. Last evaluated: 2022-05-07. Review status: criteria provided, single submitter. Criteria: Invitae Variant Classification Sherloc (09022015). Collection method: clinical testing. Allele origin: germline.
Comment: In summary, the available evidence is currently insufficient to determine the role of this variant in disease. Therefore, it has been classified as a Variant of Uncertain Significance. Algorithms developed to predict the effect of missense changes on protein structure and function (SIFT, PolyPhen-2, Align-GVGD) all suggest that this variant is likely to be disruptive. This variant has not been reported in the literature in individuals affected with MYO5B-related conditions. The frequency data for this variant in the population databases is considered unreliable, as metrics indicate poor data quality at this position in the gnomAD database. This sequence change replaces arginine, which is basic and polar, with glutamine, which is neutral and polar, at codon 895 of the MYO5B protein (p.Arg895Gln).